The following is an entry in ClinVar:

ClinVar aggregate classification (germline): Pathogenic (1 of 4 stars; one submission).

Conditions:
Cerebral cavernous malformation (CCM). Also called: Cerebral cavernous hemangioma (type); CAVERNOUS ANGIOMA, FAMILIAL; CAVERNOUS ANGIOMATOUS MALFORMATIONS; CEREBRAL CAPILLARY MALFORMATIONS; Cerebral cavernous malformations; Cavernous Hemangioma of Brain. Identifiers: Orphanet 221061, MedGen C2919945, MONDO:0000820, OMIM 116860, HP:0033522.

Submission:

Labcorp Genetics (formerly Invitae), Labcorp
Classification: Pathogenic for Cerebral cavernous malformation. Last evaluated: 2026-01-01. Review status: criteria provided, single submitter. Criteria: Invitae Variant Classification Sherloc (09022015). Collection method: clinical testing. Allele origin: germline.
Comment: This sequence change creates a premature translational stop signal (p.Leu393Ilefs*5) in the KRIT1 gene. It is expected to result in an absent or disrupted protein product. Loss-of-function variants in KRIT1 are known to be pathogenic (PMID: 10508515, 11222804, 12404106, 24689081). This variant is not present in population databases (gnomAD no frequency). This premature translational stop signal has been observed in individual(s) with clinical features of cerebral cavernous malformations (PMID: 23595507). ClinVar contains an entry for this variant (Variation ID: 1459182). For these reasons, this variant has been classified as Pathogenic.

Literature cited by the submitters: PubMed 10508515; PubMed 11222804; PubMed 12404106; PubMed 24689081; PubMed 23595507.

NM_194454.3(KRIT1):c.1175dup (p.Leu393fs)

Gene: KRIT1 (KRIT1 ankyrin repeat containing; minus strand). Cytogenetic location: 7q21.2.
Variant type: Duplication.
Coding change: c.1175dup on transcript NM_194454.3 (MANE Select); coding-DNA position 1175, one base duplicated (C; older notation c.1175dupC).
Protein change: p.Leu393fs; shifts the reading frame from leucine 393.
Molecular consequence: frameshift variant.
Genome position (GRCh38, 1-based): chr7:92,225,799, G duplicated on the plus strand (C on the coding strand, the reverse complement: KRIT1 is on the minus strand); the first of 2 consecutive G bases (chr7:92,225,799-92,225,800); duplicating either gives the same sequence. VCF-style (leftmost placement, unchanged base first): chr7-92225798-T-TG. GRCh37 (hg19) VCF-style: chr7-91855112-T-TG.
Other names: c.1031dup, p.Leu345fs (NM_001013406.2, NM_001350669.1, NM_001350670.1); c.461dup, p.Leu155fs (NM_001350671.1); c.1175dup, p.Leu393fs (NM_001350672.1, NM_001350673.1, NM_001350674.1 and 26 more transcripts); short protein forms L345fs, L393fs, L155fs.
Identifiers: ClinVar variation 1459182 (VCV001459182.8), dbSNP rs2131511337, ClinGen allele CA2573142413.